The following is an entry in ClinVar:

ClinVar aggregate classification (germline): Conflicting classifications of pathogenicity. Review status: criteria provided, conflicting classifications (1 of 4 stars). 2 submissions from 2 submitters: Uncertain significance (1); Likely benign (1). Last evaluated 2025-05-13.

Conditions:
Ataxia-telangiectasia-like disorder (ATLD). Identifiers: MedGen C1858391, MONDO:0011457.
Hereditary cancer-predisposing syndrome. Also called: Hereditary neoplastic syndrome; Tumor predisposition; Neoplastic Syndromes, Hereditary; Hereditary Cancer Syndrome. Identifiers: Orphanet 140162, MedGen C0027672, MeSH D009386, MONDO:0015356.

Allele frequency attached by ClinVar (database versions not stated): gnomAD exomes below 0.00001 and 0.00001; ExAC 0.00001.
gnomAD v4.1: 8 of 1,612,680 alleles (0.0005%); highest among the groups gnomAD compares: Middle Eastern, 0.017%; no homozygotes.

Submissions (2):

Labcorp Genetics (formerly Invitae), Labcorp
Classification: Likely benign for Ataxia-telangiectasia-like disorder. Last evaluated: 2025-05-13. Review status: criteria provided, single submitter. Criteria: Invitae Variant Classification Sherloc (09022015). Collection method: clinical testing. Allele origin: germline.

Sema4
Classification: Uncertain significance for Hereditary cancer-predisposing syndrome. Last evaluated: 2021-08-26. Review status: criteria provided, single submitter. Criteria: Sema4 Curation Guidelines. Collection method: curation. Allele origin: germline.
Comment: The MRE11 c.846-7A>G variant has not been reported in the literature to our knowledge. It was observed in 1/250380 chromosomes in the large and broad cohorts of the Genome Aggregation Database (PMID: 32461654). The variant has not been reported in ClinVar. Splice site prediction tools suggest the variant does not disrupt normal splicing, however these predictions have not been confirmed by transcriptional studies. The evidence is insufficient to meet ACMG/AMP criteria for classifying the variant as benign or pathogenic. Thus, the clinical significance of this variant is currently uncertain.

NM_005591.4(MRE11):c.846-7A>G

Gene: MRE11 (MRE11 double strand break repair nuclease; minus strand). Cytogenetic location: 11q21.
Variant type: single nucleotide variant.
Coding change: c.846-7A>G on transcript NM_005591.4 (MANE Select); 7 bases into the intron before coding-DNA position 846, A replaced by G.
Molecular consequence: intron variant.
Genome position (GRCh38, 1-based): chr11:94,470,649, T>C on the plus strand (A>G on the coding strand, the complement: MRE11 is on the minus strand). VCF-style: chr11-94470649-T-C. GRCh37 (hg19) VCF-style: chr11-94203815-T-C.
Other names: c.846-7A>G (NM_001330347.2, NM_005590.4).
Identifiers: ClinVar variation 1692904 (VCV001692904.6), dbSNP rs758200451, ClinGen allele CA6235278.
Genomic context (GRCh38, chr11:94,470,649, plus strand): 5'-GGAATTTTATGCATATTCATCTTCCTCCCTTTAATACGCAGCAAACCAACATGTCTGAAG[T>C]GGAGAGAAATGAACACCGAGTCACAGTGTAAATTTCCTCAGGGTGATGTGCAAACGAAAG-3'